The following is an entry in ClinVar:

NM_000083.3(CLCN1):c.962T>A (p.Val321Glu)

Gene: CLCN1 (chloride voltage-gated channel 1; plus strand). Cytogenetic location: 7q34.
Variant type: single nucleotide variant.
Coding change: c.962T>A on transcript NM_000083.3 (MANE Select); coding-DNA position 962, T replaced by A.
Protein change: p.Val321Glu; replaces valine 321 with glutamic acid.
Molecular consequence: missense variant. On other transcripts: non-coding transcript variant (1).
Genome position (GRCh38, 1-based): chr7:143,330,880, T>A. VCF-style: chr7-143330880-T-A. GRCh37 (hg19) VCF-style: chr7-143027973-T-A.
Other names: short protein forms V321E.
Identifiers: ClinVar variation 646134 (VCV000646134.13), dbSNP rs780150093, ClinGen allele CA4537184.
Genomic context (GRCh38, chr7:143,330,880, plus strand): 5'-ACTACTGGAGAGGATTCTTTGCAGCCACGTTCAGCGCCTTTGTGTTTCGAGTGCTGGCAG[T>A]GTGGAACAAGGATGCTGGTAACCAAGGAGGCCTTGGGTGGAGGCCATGTGAAATAGAAAA-3'
Protein context (NP_000074.3, residues 311-331): FSAFVFRVLA[Val321Glu]WNKDAVTITA

ClinVar aggregate classification (germline): Conflicting classifications of pathogenicity. Review status: criteria provided, conflicting classifications (1 of 4 stars). 3 submissions from 3 submitters: Pathogenic (1); Likely pathogenic (1); Uncertain significance (1). Last evaluated 2025-07-03.

Conditions:
Congenital myotonia, autosomal dominant form (THD). Also called: THOMSEN DISEASE; Myotonia congenita autosomal dominant. Identifiers: Orphanet 614, MedGen C2936781, MONDO:0008055, OMIM 160800.
Congenital myotonia, autosomal recessive form. Also called: BECKER DISEASE; Becker Generalized Myotonia; myotonia congenita, autosomal recessive. Identifiers: Orphanet 614, MedGen C0751360, MONDO:0009715, OMIM 255700.
Batten-Turner congenital myopathy. Also called: Myotonia congenita; Congenital myotonia. Identifiers: Orphanet 206973, MedGen C0027127, MONDO:0100468, OMIM 255300.

Allele frequency attached by ClinVar (database versions not stated): ExAC 0.00001; gnomAD exomes below 0.00001.
gnomAD v4.1: 2 of 1,614,168 alleles (0.00012%); highest among the groups gnomAD compares: East Asian, 0.0045%; no homozygotes.

Submissions (3):

Women's Health and Genetics/Laboratory Corporation of America, LabCorp
Classification: Uncertain significance. Last evaluated: 2025-07-03. Review status: criteria provided, single submitter. Criteria: LabCorp Variant Classification Summary - May 2015. Collection method: clinical testing. Allele origin: germline.
Comment: Variant summary: CLCN1 c.962T>A (p.Val321Glu) results in a non-conservative amino acid change in the encoded protein sequence. Algorithms developed to predict the effect of missense changes on protein structure and function all suggest that this variant is likely to be disruptive. The variant allele was found at a frequency of 4e-06 in 251448 control chromosomes. c.962T>A has been observed in the compound heterozygous state in individuals affected with Myotonia congenita (He_2024, Wang_2022, Hu_2021). These data indicate that the variant may be associated with disease. To our knowledge, no experimental evidence demonstrating an impact on protein function has been reported. The following publications have been ascertained in the context of this evaluation (PMID: 38720415, 34790634, 35350395). ClinVar contains an entry for this variant (Variation ID: 646134). Based on the evidence outlined above, the variant was classified as VUS-possibly pathogenic.

Labcorp Genetics (formerly Invitae), Labcorp
Classification: Pathogenic for Congenital myotonia, autosomal recessive form; Congenital myotonia, autosomal dominant form. Last evaluated: 2025-02-11. Review status: criteria provided, single submitter. Criteria: Invitae Variant Classification Sherloc (09022015). Collection method: clinical testing. Allele origin: germline.
Comment: This sequence change replaces valine, which is neutral and non-polar, with glutamic acid, which is acidic and polar, at codon 321 of the CLCN1 protein (p.Val321Glu). This variant is present in population databases (rs780150093, gnomAD 0.006%). This missense change has been observed in individual(s) with autosomal recessive myotonia congenita (PMID: 34790634, 35350395). In at least one individual the data is consistent with being in trans (on the opposite chromosome) from a pathogenic variant. ClinVar contains an entry for this variant (Variation ID: 646134). Invitae Evidence Modeling of protein sequence and biophysical properties (such as structural, functional, and spatial information, amino acid conservation, physicochemical variation, residue mobility, and thermodynamic stability) indicates that this missense variant is expected to disrupt CLCN1 protein function with a positive predictive value of 95%. For these reasons, this variant has been classified as Pathogenic.

The Molecular Genetic and Pathologic Diagnosis Center of Neuromuscular Disorder, Children's Hospital of Fudan University
Classification: Likely pathogenic for Myotonia congenita. Last evaluated: 2021-08-15. Review status: criteria provided, single submitter. Criteria: ACMG Guidelines, 2015. Collection method: clinical testing. Allele origin: paternal. Affected: yes.

Literature cited by the submitters: PubMed 34790634 (cited by Women's Health and Genetics/Laboratory Corporation of America, LabCorp and Labcorp Genetics (formerly Invitae), Labcorp); PubMed 38720415 (cited by Women's Health and Genetics/Laboratory Corporation of America, LabCorp); PubMed 35350395 (cited by Women's Health and Genetics/Laboratory Corporation of America, LabCorp and Labcorp Genetics (formerly Invitae), Labcorp).